The following is an entry in ClinVar:

ClinVar aggregate classification (germline): Uncertain significance. Review status: criteria provided, multiple submitters, no conflicts (2 of 4 stars). 3 submissions from 3 submitters: Uncertain significance (3). Last evaluated 2026-07-07.

Conditions:
Hereditary cancer-predisposing syndrome. Also called: Neoplastic Syndromes, Hereditary; Hereditary Cancer Syndrome; Tumor predisposition; Hereditary neoplastic syndrome. Identifiers: Orphanet 140162, MedGen C0027672, MeSH D009386, MONDO:0015356.
Gastrointestinal stromal tumor. Also called: Gastrointestinal stromal tumor, somatic; Gastrointestinal stroma tumor. Identifiers: Orphanet 44890, MedGen C0238198, MeSH D046152, MONDO:0011719, OMIM 606764, HP:0100723.

Allele frequency attached by ClinVar (database versions not stated): gnomAD exomes below 0.00001; ExAC 0.00001.
gnomAD v4.1: 2 of 1,613,988 alleles (0.00012%); highest among the groups gnomAD compares: African/African-American, 0.0013%; no homozygotes.

Submissions (3):

Ambry Genetics
Classification: Uncertain significance for Hereditary cancer-predisposing syndrome. Last evaluated: 2026-07-07. Review status: criteria provided, single submitter. Criteria: Ambry Variant Classification Scheme 2023. Collection method: clinical testing. Allele origin: germline.
Comment: The p.P1021L variant (also known as c.3062C>T), located in coding exon 21 of the PDGFRA gene, results from a C to T substitution at nucleotide position 3062. The proline at codon 1021 is replaced by leucine, an amino acid with similar properties. This amino acid position is conserved. In addition, the in silico prediction for this alteration is inconclusive. Based on the available evidence, the clinical significance of this variant remains unclear.

GeneDx
Classification: Uncertain significance. Last evaluated: 2024-08-28. Review status: criteria provided, single submitter. Criteria: GeneDx Variant Classification Process June 2021. Collection method: clinical testing. Allele origin: germline. Affected: yes.
Comment: Not observed at significant frequency in large population cohorts (gnomAD); In silico analysis supports that this missense variant has a deleterious effect on protein structure/function; Has not been previously published as pathogenic or benign to our knowledge

Labcorp Genetics (formerly Invitae), Labcorp
Classification: Uncertain significance for Gastrointestinal stromal tumor. Last evaluated: 2019-09-27. Review status: criteria provided, single submitter. Criteria: Invitae Variant Classification Sherloc (09022015). Collection method: clinical testing. Allele origin: germline.
Comment: In summary, the available evidence is currently insufficient to determine the role of this variant in disease. Therefore, it has been classified as a Variant of Uncertain Significance. Algorithms developed to predict the effect of missense changes on protein structure and function are either unavailable or do not agree on the potential impact of this missense change (SIFT: "Deleterious"; PolyPhen-2: "Probably Damaging"; Align-GVGD: "Class C0"). This variant has not been reported in the literature in individuals with PDGFRA-related conditions. This variant is present in population databases (rs772837015, ExAC 0.001%). This sequence change replaces proline with leucine at codon 1021 of the PDGFRA protein (p.Pro1021Leu). The proline residue is highly conserved and there is a moderate physicochemical difference between proline and leucine.

NM_006206.6(PDGFRA):c.3062C>T (p.Pro1021Leu)

Gene: PDGFRA (platelet derived growth factor receptor alpha; plus strand). Cytogenetic location: 4q12.
Variant type: single nucleotide variant.
Coding change: c.3062C>T on transcript NM_006206.6 (MANE Select); coding-DNA position 3062, C replaced by T.
Protein change: p.Pro1021Leu; replaces proline 1021 with leucine.
Molecular consequence: missense variant.
Genome position (GRCh38, 1-based): chr4:54,290,494, C>T. VCF-style: chr4-54290494-C-T. GRCh37 (hg19) VCF-style: chr4-55156661-C-T.
Other names: c.3137C>T, p.Pro1046Leu (NM_001347828.2); c.3062C>T, p.Pro1021Leu (NM_001347829.2); c.3101C>T, p.Pro1034Leu (NM_001347830.2); short protein forms P1046L, P1021L, P1034L.
Identifiers: ClinVar variation 962429 (VCV000962429.12), dbSNP rs772837015, ClinGen allele CA2923019.